The following is an entry in ClinVar:

ClinVar aggregate classification (germline): Uncertain significance (1 of 4 stars; one submission).

gnomAD v4.1: 3 of 1,611,436 alleles (0.00019%); highest among the groups gnomAD compares: Non-Finnish European, 0.00025%; no homozygotes.

Submission:

Ambry Genetics
Classification: Uncertain significance. Last evaluated: 2025-05-16. Review status: criteria provided, single submitter. Criteria: Ambry Variant Classification Scheme 2023. Collection method: clinical testing. Allele origin: germline.
Comment: The p.G465A variant (also known as c.1394G>C), located in coding exon 12 of the GEN1 gene, results from a G to C substitution at nucleotide position 1394. The glycine at codon 465 is replaced by alanine, an amino acid with similar properties. This amino acid position is conserved. In addition, this alteration is predicted to be tolerated by in silico analysis. Based on the available evidence, the clinical significance of this variant remains unclear.

NM_001130009.3(GEN1):c.1394G>C (p.Gly465Ala)

Gene: GEN1 (GEN1 Holliday junction 5' flap endonuclease; plus strand). Cytogenetic location: 2p24.2.
Variant type: single nucleotide variant.
Coding change: c.1394G>C on transcript NM_001130009.3 (MANE Select); coding-DNA position 1394, G replaced by C.
Protein change: p.Gly465Ala; replaces glycine 465 with alanine.
Molecular consequence: missense variant.
Genome position (GRCh38, 1-based): chr2:17,780,107, G>C. VCF-style: chr2-17780107-G-C. GRCh37 (hg19) VCF-style: chr2-17961374-G-C.
Other names: c.1394G>C, p.Gly465Ala (NM_182625.5); short protein forms G465A.
Identifiers: ClinVar variation 4029296 (VCV004029296.1).
Genomic context (GRCh38, chr2:17,780,107, plus strand): 5'-TTGAAGCAGCATATCCTGAGATCGTTGCTGTTTACCAAAAACAAAAGTTAGAAATTAAAG[G>C]GAAGAAACAAAAACGTAAGTTTTGGGTTTGATAGCTATTTATGCCACATGCAAATGTTAT-3'
Protein context (NP_001123481.3, residues 455-475): VYQKQKLEIK[Gly465Ala]KKQKRIKPKE